The following is an entry in ClinVar:

ClinVar aggregate classification (germline): Uncertain significance. Review status: reviewed by expert panel (3 of 4 stars). 2 submissions from 2 submitters: Uncertain significance (1). 1 of the submissions does not count toward it. Last evaluated 2024-07-17.

Conditions:
Hereditary thrombocytopenia and hematological cancer predisposition syndrome associated with RUNX1. Also called: Familial Platelet Disorder with Propensity to Acute Myelogenous Leukemia; Familial thrombocytopenia with propensity to acute myelogenous leukemia; PLATELET DISORDER, ASPIRIN-LIKE; RUNX1 Familial Platelet Disorder with Associated Myeloid Malignancies. Identifiers: Orphanet 71290, MedGen C1832388, MeSH C563324, MONDO:0100083, OMIM 601399.

Allele frequency attached by ClinVar (database versions not stated): gnomAD exomes below 0.00001.
gnomAD v4.1: 1 of 1,601,298 alleles (0.000062%); highest among the groups gnomAD compares: Non-Finnish European, 0.000085%; no homozygotes.

Submissions (2):

ClinGen Myeloid Malignancy Variant Curation Expert Panel
Classification: Uncertain significance for Hereditary thrombocytopenia and hematological cancer predisposition syndrome associated with RUNX1. Last evaluated: 2024-07-17. Review status: reviewed by expert panel. Criteria: ClinGen MyeloMalig ACMG Specifications v2. Collection method: curation. Allele origin: germline. Inheritance: Autosomal dominant inheritance.
Comment: NM_001754.5(RUNX1):c.1070C>T (p.Pro357Leu) is a missense variant which has a REVEL score < 0.50 (0.471), and a SpliceAI score ≤0.20 (0.0) (BP4). In summary, the clinical significance of this variant is uncertain. ACMG/AMP criteria applied, as specified by the Myeloid Malignancy Variant Curation Expert Panel for RUNX1: BP4.

Labcorp Genetics (formerly Invitae), Labcorp
Classification: Uncertain significance for Hereditary thrombocytopenia and hematological cancer predisposition syndrome associated with RUNX1. Last evaluated: 2022-07-19. Review status: criteria provided, single submitter. Criteria: Invitae Variant Classification Sherloc (09022015). Collection method: clinical testing. Allele origin: germline. Not counted in ClinVar's aggregate classification.
Comment: In summary, the available evidence is currently insufficient to determine the role of this variant in disease. Therefore, it has been classified as a Variant of Uncertain Significance. Algorithms developed to predict the effect of missense changes on protein structure and function are either unavailable or do not agree on the potential impact of this missense change (SIFT: "Tolerated"; PolyPhen-2: "Possibly Damaging"; Align-GVGD: "Class C0"). ClinVar contains an entry for this variant (Variation ID: 1396766). This variant has not been reported in the literature in individuals affected with RUNX1-related conditions. The frequency data for this variant in the population databases is considered unreliable, as metrics indicate poor data quality at this position in the gnomAD database. This sequence change replaces proline, which is neutral and non-polar, with leucine, which is neutral and non-polar, at codon 357 of the RUNX1 protein (p.Pro357Leu).

NM_001754.5(RUNX1):c.1070C>T (p.Pro357Leu)

Gene: RUNX1 (RUNX family transcription factor 1; minus strand). Cytogenetic location: 21q22.12.
Variant type: single nucleotide variant.
Coding change: c.1070C>T on transcript NM_001754.5 (MANE Select); coding-DNA position 1070, C replaced by T.
Protein change: p.Pro357Leu; replaces proline 357 with leucine.
Molecular consequence: missense variant.
Genome position (GRCh38, 1-based): chr21:34,792,508, G>A on the plus strand (C>T on the coding strand, the complement: RUNX1 is on the minus strand). VCF-style: chr21-34792508-G-A. GRCh37 (hg19) VCF-style: chr21-36164805-G-A.
Other names: NM_001754.5(RUNX1):c.1070C>T; p.Pro357Leu; c.989C>T, p.Pro330Leu (NM_001001890.3); short protein forms P330L, P357L.
Identifiers: ClinVar variation 1396766 (VCV001396766.7), dbSNP rs745561479, ClinGen allele CA10014211.
Genomic context (GRCh38, chr21:34,792,508, plus strand): 5'-TAGCGCGTGGCCGAGCCCATGGCCGACATGCCGATGCCGATGCCCGAGGTGACCGGCGTC[G>A]GGGAGTAGGTGAAGGCGCCTGGATAGTGCATGCGGGGGTCGGAGATGGAGGGCAGCGCGG-3'
Protein context (NP_001745.2, residues 347-367): MHYPGAFTYS[Pro357Leu]TPVTSGIGIG